The following is an entry in ClinVar:

ClinVar aggregate classification (germline): Uncertain significance (0 of 4 stars; one submission).

Conditions:
PLXNA2-related disorder. Also called: PLXNA2-related condition.

Submission:

PreventionGenetics, part of Exact Sciences
Classification: Uncertain significance for PLXNA2-related condition. Last evaluated: 2024-08-09. Review status: no assertion criteria provided. Collection method: clinical testing. Allele origin: germline.
Comment: The PLXNA2 c.273_275delCAA variant is predicted to result in an in-frame deletion (p.Asn91del). To our knowledge, this variant has not been reported in the literature or in a large population database, indicating this variant is rare. At this time, the clinical significance of this variant is uncertain due to the absence of conclusive functional and genetic evidence.

NM_025179.4(PLXNA2):c.270CAA[1] (p.Asn91del)

Gene: PLXNA2 (plexin A2; minus strand). Cytogenetic location: 1q32.2.
Variant type: Microsatellite.
Coding change: c.270CAA[1] on transcript NM_025179.4 (MANE Select); one copy of the 3-base unit CAA starting at c.270; the reference has two copies in a row; one copy, 3 bases deleted.
Protein change: p.Asn91del; deletes asparagine 91.
Molecular consequence: inframe deletion.
Genome position (GRCh38, 1-based): chr1:208,217,648-208,217,650, TTG deleted on the plus strand (CAA on the coding strand, the reverse complement: PLXNA2 is on the minus strand); deleting any 3 consecutive bases within chr1:208,217,648-208,217,654 gives the same sequence; the position shown is the placement nearest the transcript's 3' end. VCF-style (leftmost placement, unchanged base first): chr1-208217647-CTTG-C. GRCh37 (hg19) VCF-style: chr1-208390992-CTTG-C.
Other names: short protein forms N91del.
Identifiers: ClinVar variation 3345280 (VCV003345280.1).